The following is an entry in ClinVar:

ClinVar aggregate classification (germline): Uncertain significance (1 of 4 stars; one submission).

Conditions:
Hereditary cancer-predisposing syndrome. Also called: Neoplastic Syndromes, Hereditary; Tumor predisposition; Hereditary Cancer Syndrome; Hereditary neoplastic syndrome. Identifiers: Orphanet 140162, MedGen C0027672, MeSH D009386, MONDO:0015356.

gnomAD v4.1: 1 of 1,614,222 alleles (0.000062%); no homozygotes.

Submission:

Ambry Genetics
Classification: Uncertain significance for Hereditary cancer-predisposing syndrome. Last evaluated: 2026-05-27. Review status: criteria provided, single submitter. Criteria: Ambry Variant Classification Scheme 2023. Collection method: clinical testing. Allele origin: germline.
Comment: The p.A405T variant (also known as c.1213G>A), located in coding exon 10 of the SUFU gene, results from a G to A substitution at nucleotide position 1213. The alanine at codon 405 is replaced by threonine, an amino acid with similar properties. This amino acid position is conserved. In addition, the in silico prediction for this alteration is inconclusive. Based on the available evidence, the clinical significance of this variant remains unclear.

NM_016169.4(SUFU):c.1213G>A (p.Ala405Thr)

Gene: SUFU (SUFU negative regulator of hedgehog signaling; plus strand). Cytogenetic location: 10q24.32.
Variant type: single nucleotide variant.
Coding change: c.1213G>A on transcript NM_016169.4 (MANE Select); coding-DNA position 1213, G replaced by A.
Protein change: p.Ala405Thr; replaces alanine 405 with threonine.
Molecular consequence: missense variant.
Genome position (GRCh38, 1-based): chr10:102,617,345, G>A. VCF-style: chr10-102617345-G-A. GRCh37 (hg19) VCF-style: chr10-104377102-G-A.
Other names: c.1213G>A, p.Ala405Thr (NM_001178133.2); short protein forms A405T.
Identifiers: ClinVar variation 4865250 (VCV004865250.1).